The following is an entry in ClinVar:

NM_002691.4(POLD1):c.2389-15A>G

Gene: POLD1 (DNA polymerase delta 1, catalytic subunit; plus strand). Cytogenetic location: 19q13.33.
Variant type: single nucleotide variant.
Coding change: c.2389-15A>G on transcript NM_002691.4 (MANE Select); 15 bases into the intron before coding-DNA position 2389, A replaced by G.
Molecular consequence: intron variant.
Genome position (GRCh38, 1-based): chr19:50,414,800, A>G. VCF-style: chr19-50414800-A-G. GRCh37 (hg19) VCF-style: chr19-50918057-A-G.
Other names: c.2467-15A>G (LRG_785t2, NM_001308632.1); c.2389-15A>G (NM_001256849.1, LRG_785t1).
Identifiers: ClinVar variation 388135 (VCV000388135.9), dbSNP rs773744167, ClinGen allele CA9596510.

ClinVar aggregate classification (germline): Likely benign. Review status: criteria provided, multiple submitters, no conflicts (2 of 4 stars). 3 submissions from 3 submitters: Likely benign (3). Last evaluated 2026-01-18.

Conditions:
POLD1-related polyposis and colorectal cancer syndrome (CRCS10). Also called: Colorectal cancer, susceptibility to, 10; Colorectal cancer 10; COLORECTAL CANCER, SUSCEPTIBILITY TO, ON CHROMOSOME 19q. Identifiers: Orphanet 220460, MedGen C2675481, MONDO:0012953, OMIM 612591.

Allele frequency attached by ClinVar (database versions not stated): ExAC 0.00001; gnomAD 0.00001; gnomAD exomes 0.00001 and 0.00003; TOPMed 0.00005.
gnomAD v4.1: 40 of 1,516,114 alleles (0.0026%); highest among the groups gnomAD compares: South Asian, 0.0039%; no homozygotes.

Submissions (3):

Labcorp Genetics (formerly Invitae), Labcorp
Classification: Likely benign for POLD1-related polyposis and colorectal cancer syndrome. Last evaluated: 2026-01-18. Review status: criteria provided, single submitter. Criteria: Invitae Variant Classification Sherloc (09022015). Collection method: clinical testing. Allele origin: germline.

Blueprint Genetics
Classification: Likely benign. Last evaluated: 2024-11-26. Review status: criteria provided, single submitter. Criteria: ACMG Guidelines, 2015. Collection method: clinical testing. Allele origin: germline.

GeneDx
Classification: Likely benign. Last evaluated: 2017-05-25. Review status: criteria provided, single submitter. Criteria: GeneDx Variant Classification (06012015). Collection method: clinical testing. Allele origin: germline. Affected: yes.
Comment: This variant is considered likely benign or benign based on one or more of the following criteria: it is a conservative change, it occurs at a poorly conserved position in the protein, it is predicted to be benign by multiple in silico algorithms, and/or has population frequency not consistent with disease.